The following is an entry in ClinVar:

NM_004656.4(BAP1):c.290T>C (p.Leu97Pro)

Gene: BAP1 (BRCA1 associated deubiquitinase 1; minus strand). Cytogenetic location: 3p21.1.
Variant type: single nucleotide variant.
Coding change: c.290T>C on transcript NM_004656.4 (MANE Select); coding-DNA position 290, T replaced by C.
Protein change: p.Leu97Pro; replaces leucine 97 with proline.
Molecular consequence: missense variant.
Genome position (GRCh38, 1-based): chr3:52,408,043, A>G on the plus strand (T>C on the coding strand, the complement: BAP1 is on the minus strand). VCF-style: chr3-52408043-A-G. GRCh37 (hg19) VCF-style: chr3-52442059-A-G.
Other names: c.290T>C, p.Leu97Pro (NM_001410772.1); short protein forms L97P.
Identifiers: ClinVar variation 2831398 (VCV002831398.3), dbSNP rs2153228129, ClinGen allele CA353112480.

ClinVar aggregate classification (germline): Uncertain significance (1 of 4 stars; one submission).

Conditions:
BAP1-related tumor predisposition syndrome (TPDS1). Also called: BAP1 tumor predisposition syndrome; Tumor susceptibility linked to germline BAP1 mutations; COMMON Syndrome; TUMOR PREDISPOSITION SYNDROME 1. Identifiers: Orphanet 289539, MedGen C3280492, MONDO:0013692, OMIM 614327.

Submission:

Labcorp Genetics (formerly Invitae), Labcorp
Classification: Uncertain significance for BAP1-related tumor predisposition syndrome. Last evaluated: 2024-05-21. Review status: criteria provided, single submitter. Criteria: Invitae Variant Classification Sherloc (09022015). Collection method: clinical testing. Allele origin: germline.
Comment: This sequence change replaces leucine, which is neutral and non-polar, with proline, which is neutral and non-polar, at codon 97 of the BAP1 protein (p.Leu97Pro). This variant is not present in population databases (gnomAD no frequency). This variant has not been reported in the literature in individuals affected with BAP1-related conditions. Advanced modeling of protein sequence and biophysical properties (such as structural, functional, and spatial information, amino acid conservation, physicochemical variation, residue mobility, and thermodynamic stability) performed at Invitae indicates that this missense variant is expected to disrupt BAP1 protein function with a positive predictive value of 80%. In summary, the available evidence is currently insufficient to determine the role of this variant in disease. Therefore, it has been classified as a Variant of Uncertain Significance.